The following is an entry in ClinVar:

NM_004415.4(DSP):c.6141G>C (p.Met2047Ile)

Gene: DSP (desmoplakin; plus strand). Cytogenetic location: 6p24.3.
Variant type: single nucleotide variant.
Coding change: c.6141G>C on transcript NM_004415.4 (MANE Select); coding-DNA position 6141, G replaced by C.
Protein change: p.Met2047Ile; replaces methionine 2047 with isoleucine.
Molecular consequence: missense variant.
Genome position (GRCh38, 1-based): chr6:7,583,403, G>C. VCF-style: chr6-7583403-G-C. GRCh37 (hg19) VCF-style: chr6-7583636-G-C.
Other names: c.4344G>C, p.Met1448Ile (NM_001008844.3); c.4812G>C, p.Met1604Ile (NM_001319034.2); short protein forms M1448I, M1604I, M2047I.
Identifiers: ClinVar variation 919144 (VCV000919144.17), dbSNP rs374226658, ClinGen allele CA046950.

ClinVar aggregate classification (germline): Uncertain significance. Review status: criteria provided, multiple submitters, no conflicts (2 of 4 stars). 5 submissions from 5 submitters: Uncertain significance (5). Last evaluated 2025-01-22.

Conditions:
Arrhythmogenic cardiomyopathy with wooly hair and keratoderma. Also called: PALMOPLANTAR KERATODERMA WITH LEFT VENTRICULAR CARDIOMYOPATHY AND WOOLLY HAIR; Carvajal syndrome; Dilated cardiomyopathy with woolly hair and keratoderma; Arrhythmogenic cardiomyopathy with woolly hair and keratoderma. Identifiers: Orphanet 65282, MedGen C1854063, MONDO:0011581, OMIM 605676.
Cardiomyopathy (CMYO). Also called: Cardiomyopathies. Identifiers: Orphanet 167848, MedGen C0878544, MONDO:0004994, HP:0001638. Inheritance: Various modes of inheritance.
Cardiovascular phenotype. Identifiers: MedGen CN230736.
Woolly hair-skin fragility syndrome (WHSF). Identifiers: Orphanet 293165, MedGen C1843292, MONDO:0957307, OMIM 620415.
Cardiomyopathy, dilated, with wooly hair, keratoderma, and tooth agenesis. Also called: Cardiomyopathy, dilated, with woolly hair, keratoderma, and tooth agenesis; Erythrokeratodermia-cardiomyopathy syndrome. Identifiers: Orphanet 476096, Orphanet 65282, MedGen C4014393, MONDO:0014355, OMIM 615821.
Lethal acantholytic epidermolysis bullosa (EBLA). Identifiers: Orphanet 158687, MedGen C1864826, MONDO:0012323, OMIM 609638.
Arrhythmogenic right ventricular dysplasia 8 (ARVD8). Also called: Arrhythmogenic Right Ventricular Dysplasia/Cardiomyopathy 8; ARRHYTHMOGENIC RIGHT VENTRICULAR DYSPLASIA, FAMILIAL, 8; ARRHYTHMOGENIC RIGHT VENTRICULAR CARDIOMYOPATHY 8. Identifiers: MedGen C1843896, MONDO:0011831, OMIM 607450.
Keratosis palmoplantaris striata 2. Also called: KERATODERMA, PALMOPLANTAR, STRIATE FORM II; STRIATE PALMOPLANTAR KERATODERMA II; Keratosis palmoplantaris striata II. Identifiers: MedGen C1852127, MONDO:0013034, OMIM 612908.

Allele frequency attached by ClinVar (database versions not stated): ExAC 0.00001; gnomAD 0.00001; TOPMed 0.00001; ESP Exome Variant Server 0.00008.
gnomAD v4.1: 4 of 1,614,050 alleles (0.00025%); highest among the groups gnomAD compares: Non-Finnish European, 0.00034%; no homozygotes.

Submissions (5):

Labcorp Genetics (formerly Invitae), Labcorp
Classification: Uncertain significance for Arrhythmogenic cardiomyopathy with wooly hair and keratoderma; Arrhythmogenic right ventricular dysplasia 8. Last evaluated: 2025-01-22. Review status: criteria provided, single submitter. Criteria: Invitae Variant Classification Sherloc (09022015). Collection method: clinical testing. Allele origin: germline.
Comment: This sequence change replaces methionine, which is neutral and non-polar, with isoleucine, which is neutral and non-polar, at codon 2047 of the DSP protein (p.Met2047Ile). This variant is present in population databases (rs374226658, gnomAD 0.002%). This variant has not been reported in the literature in individuals affected with DSP-related conditions. ClinVar contains an entry for this variant (Variation ID: 919144). An algorithm developed to predict the effect of missense changes on protein structure and function (PolyPhen-2) suggests that this variant is likely to be tolerated. In summary, the available evidence is currently insufficient to determine the role of this variant in disease. Therefore, it has been classified as a Variant of Uncertain Significance.

All of Us Research Program, National Institutes of Health
Classification: Uncertain significance for Arrhythmogenic cardiomyopathy with wooly hair and keratoderma. Last evaluated: 2024-08-06. Review status: criteria provided, single submitter. Criteria: ACMG Guidelines, 2015. Collection method: clinical testing. Allele origin: germline. Inheritance: Autosomal dominant inheritance. Observed: 6 variant alleles, 6 heterozygotes.
Comment: This missense variant replaces methionine with isoleucine at codon 2047 of the DSP protein. Computational prediction suggests that this variant may not impact protein structure and function (internally defined REVEL score threshold <= 0.5, PMID: 27666373). To our knowledge, functional studies have not been reported for this variant. This variant has not been reported in individuals affected with cardiovascular disorders in the literature. This variant has been identified in 1/31400 chromosomes in the general population by the Genome Aggregation Database (gnomAD). The available evidence is insufficient to determine the role of this variant in disease conclusively. Therefore, this variant is classified as a Variant of Uncertain Significance.

This study involves interpretation of variants in research participants for the purpose of population health screening. Participant phenotype was not available at the time of variant classification. Additional details can be found in publication PMID: 35346344, PMCID: PMC8962531

Ambry Genetics
Classification: Uncertain significance for Cardiovascular phenotype. Last evaluated: 2024-06-22. Review status: criteria provided, single submitter. Criteria: Ambry Variant Classification Scheme 2023. Collection method: clinical testing. Allele origin: germline.
Comment: The p.M2047I variant (also known as c.6141G>C), located in coding exon 24 of the DSP gene, results from a G to C substitution at nucleotide position 6141. The methionine at codon 2047 is replaced by isoleucine, an amino acid with highly similar properties. This amino acid position is not well conserved in available vertebrate species. In addition, this alteration is predicted to be tolerated by in silico analysis. Since supporting evidence is limited at this time, the clinical significance of this alteration remains unclear.

Color Diagnostics, LLC DBA Color Health
Classification: Uncertain significance for Cardiomyopathy. Last evaluated: 2024-03-07. Review status: criteria provided, single submitter. Criteria: ACMG Guidelines, 2015. Collection method: clinical testing. Allele origin: germline.
Comment: This missense variant replaces methionine with isoleucine at codon 2047 of the DSP protein. Computational prediction suggests that this variant may not impact protein structure and function (internally defined REVEL score threshold <= 0.5, PMID: 27666373). To our knowledge, functional studies have not been reported for this variant. This variant has not been reported in individuals affected with cardiovascular disorders in the literature. This variant has been identified in 1/31400 chromosomes in the general population by the Genome Aggregation Database (gnomAD). The available evidence is insufficient to determine the role of this variant in disease conclusively. Therefore, this variant is classified as a Variant of Uncertain Significance.

Fulgent Genetics
Classification: Uncertain significance for Arrhythmogenic cardiomyopathy with wooly hair and keratoderma; Arrhythmogenic right ventricular dysplasia 8; Lethal acantholytic epidermolysis bullosa; Keratosis palmoplantaris striata 2; Cardiomyopathy, dilated, with wooly hair, keratoderma, and tooth agenesis. Last evaluated: 2021-10-29. Review status: criteria provided, single submitter. Criteria: ACMG Guidelines, 2015. Collection method: clinical testing. Allele origin: unknown.